The following is an entry in ClinVar:

ClinVar aggregate classification (germline): Pathogenic. Review status: criteria provided, multiple submitters, no conflicts (2 of 4 stars). 2 submissions from 2 submitters: Pathogenic (2). Last evaluated 2024-05-05.

Conditions:
Inborn genetic diseases. Identifiers: MedGen C0950123, MeSH D030342.

gnomAD v4.1: 3 of 1,612,974 alleles (0.00019%); highest among the groups gnomAD compares: Non-Finnish European, 0.00025%; no homozygotes.

Submissions (2):

Labcorp Genetics (formerly Invitae), Labcorp
Classification: Pathogenic. Last evaluated: 2024-05-05. Review status: criteria provided, single submitter. Criteria: Invitae Variant Classification Sherloc (09022015). Collection method: clinical testing. Allele origin: germline.
Comment: This sequence change creates a premature translational stop signal (p.Arg464*) in the PNPT1 gene. It is expected to result in an absent or disrupted protein product. Loss-of-function variants in PNPT1 are known to be pathogenic (PMID: 28594066, 30244537). This variant is not present in population databases (gnomAD no frequency). This variant has not been reported in the literature in individuals affected with PNPT1-related conditions. ClinVar contains an entry for this variant (Variation ID: 985545). For these reasons, this variant has been classified as Pathogenic.

Ambry Genetics
Classification: Pathogenic for Inborn genetic diseases. Last evaluated: 2018-12-26. Review status: criteria provided, single submitter. Criteria: Ambry exome assertion method (8-5-2015). Collection method: clinical testing. Allele origin: germline. Affected: yes. Observed: 1 variant allele.

Literature cited by the submitters: PubMed 28594066 (cited by Labcorp Genetics (formerly Invitae), Labcorp); PubMed 30244537 (cited by Labcorp Genetics (formerly Invitae), Labcorp).

NM_033109.5(PNPT1):c.1390C>T (p.Arg464Ter)

Gene: PNPT1 (polyribonucleotide nucleotidyltransferase 1; minus strand). Cytogenetic location: 2p16.1.
Variant type: single nucleotide variant.
Coding change: c.1390C>T on transcript NM_033109.5 (MANE Select); coding-DNA position 1390, C replaced by T.
Protein change: p.Arg464Ter; replaces arginine 464 with a stop codon.
Molecular consequence: nonsense.
Genome position (GRCh38, 1-based): chr2:55,656,182, G>A on the plus strand (C>T on the coding strand, the complement: PNPT1 is on the minus strand). VCF-style: chr2-55656182-G-A. GRCh37 (hg19) VCF-style: chr2-55883317-G-A.
Other names: short protein forms R464*.
Identifiers: ClinVar variation 985545 (VCV000985545.6), dbSNP rs2627765, ClinGen allele CA346927098.